The following is an entry in ClinVar:

ClinVar aggregate classification (germline): Pathogenic. Review status: criteria provided, multiple submitters, no conflicts (2 of 4 stars). 8 submissions from 8 submitters: Pathogenic (6). 2 of the submissions do not count toward it. Last evaluated 2024-09-26.

Conditions:
Isolated thyroid-stimulating hormone deficiency. Also called: THYROID-STIMULATING HORMONE DEFICIENCY; THYROTROPIN DEFICIENCY, ISOLATED; TSH DEFICIENCY; Thyroid-stimulating hormone, deficiency of; PITUITARY CRETINISM; Hypothryoidism, congenital, nongoitrous 4. Identifiers: Orphanet 90674, MedGen C0271789, MONDO:0010139, OMIM 275100.
Pituitary hypothyroidism. Identifiers: MedGen C3665349, HP:0008245.

Allele frequency attached by ClinVar (database versions not stated): ExAC 0.00015; gnomAD 0.00015 and 0.00017; ESP Exome Variant Server 0.00016; gnomAD exomes 0.00016 and 0.00036; TOPMed 0.00016.

Submissions (8):

GeneDx
Classification: Pathogenic. Last evaluated: 2024-09-26. Review status: criteria provided, single submitter. Criteria: GeneDx Variant Classification Process June 2021. Collection method: clinical testing. Allele origin: germline. Affected: yes.
Comment: Published functional studies demonstrate a damaging effect as c.373delT is shown to be biologically inactive (PMID: 8636437); Frameshift variant predicted to result in abnormal protein length as the last 14 amino acids are replaced with 9 different amino acids; This variant is associated with the following publications: (PMID: 8636437, 22606512, 27362444, 31166470, 31703413, 31980526, 31384098, 15297803, 31589614, 36001021, 34780050)

Dasa
Classification: Pathogenic. Last evaluated: 2024-06-23. Review status: criteria provided, single submitter. Criteria: DASA Assertion Criteria. Collection method: clinical testing. Allele origin: germline.
Comment: NM_000549.5(TSHB):c.373del (p.Cys125Valfs*10) introduces a premature termination codon predicted to result in loss of normal protein function. Loss-of-function is an established mechanism of disease for this gene. This variant has been reported in individuals with related phenotype. Segregation evidence has been reported in affected families. This variant has been observed in affected individuals with related phenotype in a genotype context consistent with recessive disease. Based on the available data, this variant is classified as pathogenic.

Fulgent Genetics
Classification: Pathogenic for Isolated thyroid-stimulating hormone deficiency. Last evaluated: 2024-05-08. Review status: criteria provided, single submitter. Criteria: ACMG Guidelines, 2015. Collection method: clinical testing. Allele origin: germline.

Labcorp Genetics (formerly Invitae), Labcorp
Classification: Pathogenic. Last evaluated: 2024-03-16. Review status: criteria provided, single submitter. Criteria: Invitae Variant Classification Sherloc (09022015). Collection method: clinical testing. Allele origin: germline.
Comment: This sequence change creates a premature translational stop signal (p.Cys125Valfs*10) in the TSHB gene. While this is not anticipated to result in nonsense mediated decay, it is expected to disrupt the last 14 amino acid(s) of the TSHB protein. This variant is present in population databases (rs755485552, gnomAD 0.03%). This premature translational stop signal has been observed in individuals with clinical features of congenital hypothyroidism (PMID: 8636437, 15297803, 22606512, 27362444, 31166470). It has also been observed to segregate with disease in related individuals. This variant is also known as C105V or 313delT. ClinVar contains an entry for this variant (Variation ID: 437070). Algorithms developed to predict the effect of variants on protein structure and function are not available or were not evaluated for this variant. Experimental studies have shown that this premature translational stop signal affects TSHB function (PMID: 8636437). For these reasons, this variant has been classified as Pathogenic.

Greenwood Genetic Center Diagnostic Laboratories, Greenwood Genetic Center
Classification: Pathogenic for Isolated thyroid-stimulating hormone deficiency. Last evaluated: 2022-11-15. Review status: criteria provided, single submitter. Criteria: ACMG Guidelines, 2015. Collection method: clinical testing. Allele origin: germline. Affected: yes.
Comment: PS3, PM3_Strong

Revvity Omics, Revvity
Classification: Pathogenic for Isolated thyroid-stimulating hormone deficiency. Last evaluated: 2022-11-15. Review status: criteria provided, single submitter. Criteria: ACMG Guidelines, 2015. Collection method: clinical testing. Allele origin: germline.

Genetic Services Laboratory, University of Chicago
Classification: Pathogenic for Secondary hypothyroidism. Last evaluated: 2021-12-28. Review status: no assertion criteria provided. Collection method: clinical testing. Allele origin: germline. Affected: yes. Not counted in ClinVar's aggregate classification.
Comment: DNA sequence analysis of the TSHB gene demonstrated a single base pair deletion in exon 3, c.373del. This pathogenic sequence change results in an amino acid frameshift and creates a premature stop codon 10 amino acids downstream of the change, p.Cys125Valfs*10. This pathogenic sequence change is predicted to result in an abnormal transcript, which may be degraded, or may lead to the production of a truncated TSHB protein with potentially abnormal function. This sequence change has been described in the gnomAD database with a frequency of o.031% in the non-Finnish European subpopulation (dbSNP rs755485552). This pathogenic sequence change has previously been described in the homozygous and compound heterozygous state in multiple individuals with TSHB-related hypothyroidism (PMID: 31166470, 22606512, 31703413, 15297803, 27362444).

OMIM
Classification: Pathogenic for HYPOTHYROIDISM, CONGENITAL, NONGOITROUS, 4. Last evaluated: 2002-10-01. Review status: no assertion criteria provided. Collection method: literature only. Allele origin: germline. Not counted in ClinVar's aggregate classification.

Literature cited by the submitters: PubMed 8636437 (cited by Labcorp Genetics (formerly Invitae), Labcorp and OMIM); PubMed 15297803 (cited by Labcorp Genetics (formerly Invitae), Labcorp); PubMed 22606512 (cited by Labcorp Genetics (formerly Invitae), Labcorp); PubMed 27362444 (cited by Labcorp Genetics (formerly Invitae), Labcorp); PubMed 31166470 (cited by Labcorp Genetics (formerly Invitae), Labcorp); PubMed 9589689 (cited by OMIM); PubMed 12364478 (cited by OMIM).

NM_000549.5(TSHB):c.373del (p.Cys125fs)

Gene: TSHB (thyroid stimulating hormone subunit beta; plus strand). Cytogenetic location: 1p13.2.
Variant type: Deletion.
Coding change: c.373del on transcript NM_000549.5 (MANE Select); coding-DNA position 373, one base deleted (T; older notation c.373delT).
Protein change: p.Cys125fs; shifts the reading frame from cysteine 125.
Molecular consequence: frameshift variant.
Genome position (GRCh38, 1-based): chr1:115,034,183, T deleted. VCF-style (leftmost placement, unchanged base first): chr1-115034182-CT-C. GRCh37 (hg19) VCF-style: chr1-115576803-CT-C.
Other names: c.373delT (NM_000549.4); c.238del, p.Cys80fs (NM_001277991.1); short protein forms C125fs, C80fs.
Identifiers: ClinVar variation 437070 (VCV000437070.27), dbSNP rs755485552, ClinGen allele CA1022590.